The following is an entry in ClinVar:

ClinVar aggregate classification (germline): Uncertain significance (1 of 4 stars; one submission).

Conditions:
Emery-Dreifuss muscular dystrophy 5, autosomal dominant (EDMD5). Also called: EMERY-DREIFUSS MUSCULAR DYSTROPHY 5. Identifiers: Orphanet 261, MedGen C2751805, MONDO:0013072, OMIM 612999.

Allele frequency attached by ClinVar (database versions not stated): gnomAD exomes 0.00001.
gnomAD v4.1: 5 of 1,614,090 alleles (0.00031%); highest among the groups gnomAD compares: Admixed American, 0.0017%; no homozygotes.

Submission:

Labcorp Genetics (formerly Invitae), Labcorp
Classification: Uncertain significance for Emery-Dreifuss muscular dystrophy 5, autosomal dominant. Last evaluated: 2021-10-14. Review status: criteria provided, single submitter. Criteria: Invitae Variant Classification Sherloc (09022015). Collection method: clinical testing. Allele origin: germline.
Comment: This sequence change replaces glutamic acid with lysine at codon 5763 of the SYNE2 protein (p.Glu5763Lys). The glutamic acid residue is weakly conserved and there is a small physicochemical difference between glutamic acid and lysine. In summary, the available evidence is currently insufficient to determine the role of this variant in disease. Therefore, it has been classified as a Variant of Uncertain Significance. Algorithms developed to predict the effect of missense changes on protein structure and function output the following: SIFT: "Tolerated"; PolyPhen-2: "Possibly Damaging"; Align-GVGD: "Class C0". The lysine amino acid residue is found in multiple mammalian species, which suggests that this missense change does not adversely affect protein function. This variant has not been reported in the literature in individuals affected with SYNE2-related conditions. This variant is not present in population databases (ExAC no frequency).

NM_182914.3(SYNE2):c.17287G>A (p.Glu5763Lys)

Gene: SYNE2 (spectrin repeat containing nuclear envelope protein 2; plus strand). Cytogenetic location: 14q23.2.
Variant type: single nucleotide variant.
Coding change: c.17287G>A on transcript NM_182914.3 (MANE Select); coding-DNA position 17287, G replaced by A.
Protein change: p.Glu5763Lys; replaces glutamic acid 5763 with lysine.
Molecular consequence: missense variant.
Genome position (GRCh38, 1-based): chr14:64,174,995, G>A. VCF-style: chr14-64174995-G-A. GRCh37 (hg19) VCF-style: chr14-64641713-G-A.
Other names: c.17287G>A, p.Glu5763Lys (NM_015180.6); short protein forms E5763K.
Identifiers: ClinVar variation 1410096 (VCV001410096.6), dbSNP rs1315464944, ClinGen allele CA389980863.